The following is an entry in ClinVar:

ClinVar aggregate classification (germline): Uncertain significance. Review status: criteria provided, multiple submitters, no conflicts (2 of 4 stars). 2 submissions from 2 submitters: Uncertain significance (2). Last evaluated 2025-11-20.

Conditions:
Catecholaminergic polymorphic ventricular tachycardia 1. Also called: RYR2-Related Catecholaminergic Polymorphic Ventricular Tachycardia; VENTRICULAR TACHYCARDIA, STRESS-INDUCED POLYMORPHIC 1; VENTRICULAR TACHYCARDIA, CATECHOLAMINERGIC POLYMORPHIC, 1, WITH OR WITHOUT ATRIAL DYSFUNCTION AND/OR DILATED CARDIOMYOPATHY. Identifiers: Orphanet 3286, MedGen C1631597, MONDO:0011484, OMIM 604772.
Cardiovascular phenotype. Identifiers: MedGen CN230736.

gnomAD v4.1: 2 of 1,613,336 alleles (0.00012%); highest among the groups gnomAD compares: South Asian, 0.0011%; no homozygotes.

Submissions (2):

Ambry Genetics
Classification: Uncertain significance for Cardiovascular phenotype. Last evaluated: 2025-11-20. Review status: criteria provided, single submitter. Criteria: Ambry Variant Classification Scheme 2023. Collection method: clinical testing. Allele origin: germline.
Comment: The c.14299-3C>T intronic variant results from a C to T substitution 3 nucleotides upstream from coding exon 100 in the RYR2 gene. This nucleotide position is well conserved in available vertebrate species. In silico splice site analysis predicts that this alteration will not have any significant effect on splicing. Based on the available evidence, the clinical significance of this variant remains unclear.

Labcorp Genetics (formerly Invitae), Labcorp
Classification: Uncertain significance for Catecholaminergic polymorphic ventricular tachycardia 1. Last evaluated: 2021-11-26. Review status: criteria provided, single submitter. Criteria: Invitae Variant Classification Sherloc (09022015). Collection method: clinical testing. Allele origin: germline.
Comment: Variants that disrupt the consensus splice site are a relatively common cause of aberrant splicing (PMID: 17576681, 9536098). Algorithms developed to predict the effect of sequence changes on RNA splicing suggest that this variant is not likely to affect RNA splicing. This variant has not been reported in the literature in individuals affected with RYR2-related conditions. This variant is not present in population databases (gnomAD no frequency). This sequence change falls in intron 99 of the RYR2 gene. It does not directly change the encoded amino acid sequence of the RYR2 protein. It affects a nucleotide within the consensus splice site. In summary, the available evidence is currently insufficient to determine the role of this variant in disease. Therefore, it has been classified as a Variant of Uncertain Significance.

Literature cited by the submitters: PubMed 17576681 (cited by Labcorp Genetics (formerly Invitae), Labcorp); PubMed 9536098 (cited by Labcorp Genetics (formerly Invitae), Labcorp).

NM_001035.3(RYR2):c.14299-3C>T

Gene: RYR2 (ryanodine receptor 2; plus strand). Cytogenetic location: 1q43.
Variant type: single nucleotide variant.
Coding change: c.14299-3C>T on transcript NM_001035.3 (MANE Select); 3 bases into the intron before coding-DNA position 14299, C replaced by T.
Molecular consequence: intron variant.
Genome position (GRCh38, 1-based): chr1:237,808,898, C>T. VCF-style: chr1-237808898-C-T. GRCh37 (hg19) VCF-style: chr1-237972198-C-T.
Other names: c.14299-3C>T (NM_001035.2).
Identifiers: ClinVar variation 1410641 (VCV001410641.8), dbSNP rs2149446318, ClinGen allele CA645515559.